The following is an entry in ClinVar:

NM_002661.5(PLCG2):c.266G>A (p.Arg89His)

Gene: PLCG2 (phospholipase C gamma 2; plus strand). Cytogenetic location: 16q23.3.
Variant type: single nucleotide variant.
Coding change: c.266G>A on transcript NM_002661.5 (MANE Select); coding-DNA position 266, G replaced by A.
Protein change: p.Arg89His; replaces arginine 89 with histidine.
Molecular consequence: missense variant.
Genome position (GRCh38, 1-based): chr16:81,854,516, G>A. VCF-style: chr16-81854516-G-A. GRCh37 (hg19) VCF-style: chr16-81888121-G-A.
Other names: short protein forms R89H.
Identifiers: ClinVar variation 1054595 (VCV001054595.9), dbSNP rs762900860, ClinGen allele CA8193112.

ClinVar aggregate classification (germline): Uncertain significance (1 of 4 stars; one submission).

Conditions:
Familial cold autoinflammatory syndrome 3 (FCAS3). Also called: FAMILIAL ATYPICAL COLD URTICARIA; ANTIBODY DEFICIENCY AND IMMUNE DYSREGULATION, PLCG2-ASSOCIATED. Identifiers: Orphanet 300359, MedGen C3280914, MONDO:0013766, OMIM 614468.

Allele frequency attached by ClinVar (database versions not stated): ExAC 0.00001.
gnomAD v4.1: 13 of 1,613,778 alleles (0.00081%); highest among the groups gnomAD compares: South Asian, 0.0033%; no homozygotes.

Submission:

Labcorp Genetics (formerly Invitae), Labcorp
Classification: Uncertain significance for Familial cold autoinflammatory syndrome 3. Last evaluated: 2025-12-15. Review status: criteria provided, single submitter. Criteria: Invitae Variant Classification Sherloc (09022015). Collection method: clinical testing. Allele origin: germline.
Comment: This sequence change replaces arginine, which is basic and polar, with histidine, which is basic and polar, at codon 89 of the PLCG2 protein (p.Arg89His). This variant is present in population databases (rs762900860, gnomAD 0.006%). This variant has not been reported in the literature in individuals affected with PLCG2-related conditions. ClinVar contains an entry for this variant (Variation ID: 1054595). An algorithm developed to predict the effect of missense changes on protein structure and function (PolyPhen-2) suggests that this variant is likely to be tolerated. In summary, the available evidence is currently insufficient to determine the role of this variant in disease. Therefore, it has been classified as a Variant of Uncertain Significance.